The following is an entry in ClinVar:

NM_005518.4(HMGCS2):c.160G>A (p.Val54Met)

Gene: HMGCS2 (3-hydroxy-3-methylglutaryl-CoA synthase 2; minus strand). Cytogenetic location: 1p12.
Variant type: single nucleotide variant.
Coding change: c.160G>A on transcript NM_005518.4 (MANE Select); coding-DNA position 160, G replaced by A.
Protein change: p.Val54Met; replaces valine 54 with methionine.
Molecular consequence: missense variant.
Genome position (GRCh38, 1-based): chr1:119,764,571, C>T on the plus strand (G>A on the coding strand, the complement: HMGCS2 is on the minus strand). VCF-style: chr1-119764571-C-T. GRCh37 (hg19) VCF-style: chr1-120307194-C-T.
Other names: c.160G>A, p.Val54Met (NM_001166107.1); short protein forms V54M.
Identifiers: ClinVar variation 9261 (VCV000009261.10), dbSNP rs28937320, ClinGen allele CA120262.

ClinVar aggregate classification (germline): Likely pathogenic. Review status: criteria provided, multiple submitters, no conflicts (2 of 4 stars). 3 submissions from 3 submitters: Likely pathogenic (2). 1 of the submissions does not count toward it. Last evaluated 2025-08-18.

Conditions:
3-hydroxy-3-methylglutaryl-CoA synthase deficiency (HMGCS2D). Also called: HMGCS2 DEFICIENCY; HMG-CoA synthase-2 deficiency; MITOCHONDRIAL HMG-CoA SYNTHASE DEFICIENCY. Identifiers: Orphanet 35701, MedGen C2751532, MONDO:0011614, OMIM 605911.

Allele frequency attached by ClinVar (database versions not stated): gnomAD exomes 0.00001.
gnomAD v4.1: 17 of 1,614,214 alleles (0.0011%); highest among the groups gnomAD compares: East Asian, 0.0045%; no homozygotes.

Submissions (3):

Labcorp Genetics (formerly Invitae), Labcorp
Classification: Likely pathogenic for 3-hydroxy-3-methylglutaryl-CoA synthase deficiency. Last evaluated: 2025-08-18. Review status: criteria provided, single submitter. Criteria: Invitae Variant Classification Sherloc (09022015). Collection method: clinical testing. Allele origin: germline.
Comment: This sequence change replaces valine, which is neutral and non-polar, with methionine, which is neutral and non-polar, at codon 54 of the HMGCS2 protein (p.Val54Met). This variant is present in population databases (rs28937320, gnomAD 0.01%). This missense change has been observed in individuals with HMG-CoA synthase deficiency (PMID: 12647205, 35308163). It has also been observed to segregate with disease in related individuals. ClinVar contains an entry for this variant (Variation ID: 9261). Invitae Evidence Modeling of protein sequence and biophysical properties (such as structural, functional, and spatial information, amino acid conservation, physicochemical variation, residue mobility, and thermodynamic stability) indicates that this missense variant is expected to disrupt HMGCS2 protein function with a positive predictive value of 80%. In summary, the currently available evidence indicates that the variant is pathogenic, but additional data are needed to prove that conclusively. Therefore, this variant has been classified as Likely Pathogenic.

Fulgent Genetics
Classification: Likely pathogenic for 3-hydroxy-3-methylglutaryl-CoA synthase deficiency. Last evaluated: 2024-01-06. Review status: criteria provided, single submitter. Criteria: ACMG Guidelines, 2015. Collection method: clinical testing. Allele origin: germline.

OMIM
Classification: Pathogenic for MITOCHONDRIAL HMG-CoA SYNTHASE DEFICIENCY. Last evaluated: 2003-04-01. Review status: no assertion criteria provided. Collection method: literature only. Allele origin: germline. Not counted in ClinVar's aggregate classification.

Literature cited by the submitters: PubMed 12647205 (cited by Labcorp Genetics (formerly Invitae), Labcorp and OMIM); PubMed 35308163 (cited by Labcorp Genetics (formerly Invitae), Labcorp).